The following is an entry in ClinVar:

NM_058216.3(RAD51C):c.97C>T (p.Gln33Ter)

Gene: RAD51C (RAD51 paralog C; plus strand). Cytogenetic location: 17q22.
Variant type: single nucleotide variant.
Coding change: c.97C>T on transcript NM_058216.3 (MANE Select); coding-DNA position 97, C replaced by T.
Protein change: p.Gln33Ter; replaces glutamine 33 with a stop codon.
Molecular consequence: nonsense. On other transcripts: non-coding transcript variant (1).
Genome position (GRCh38, 1-based): chr17:58,692,740, C>T. VCF-style: chr17-58692740-C-T. GRCh37 (hg19) VCF-style: chr17-56770101-C-T.
Other names: p.Q33*:CAG>TAG; c.97C>T, p.Gln33Ter (NM_002876.4); short protein forms Q33*.
Identifiers: ClinVar variation 142534 (VCV000142534.52), dbSNP rs587782528, ClinGen allele CA294435.
Genomic context (GRCh38, chr17:58,692,740, plus strand): 5'-GATTTGGTGAGTTTCCCGCTGTCTCCAGCGGTGCGGGTGAAGCTGGTGTCTGCGGGGTTC[C>T]AGACTGCTGAGGAACTCCTAGAGGTGAAACCCTCCGAGCTTAGCAAAGGTAACGACTCCT-3'

ClinVar aggregate classification (germline): Pathogenic/Likely pathogenic. Review status: criteria provided, multiple submitters, no conflicts (2 of 4 stars). 17 submissions from 16 submitters: Pathogenic (11); Likely pathogenic (3). 3 of the submissions do not count toward it. Last evaluated 2025-11-26.

Conditions:
Inherited ovarian cancer (without breast cancer).
Breast-ovarian cancer, familial, susceptibility to, 3. Also called: RAD51C-Related Breast/Ovarian Cancer. Identifiers: Orphanet 145, MedGen C3150659, MONDO:0013253, OMIM 613399.
Fanconi anemia complementation group O. Also called: RAD51C-Related Fanconi Anemia. Identifiers: Orphanet 84, MedGen C3150653, MONDO:0013248, OMIM 613390.
Hereditary cancer-predisposing syndrome. Also called: Neoplastic Syndromes, Hereditary; Tumor predisposition; Hereditary neoplastic syndrome; Hereditary Cancer Syndrome. Identifiers: Orphanet 140162, MedGen C0027672, MeSH D009386, MONDO:0015356.
Hereditary breast ovarian cancer syndrome. Also called: Hereditary breast and ovarian cancer syndrome (HBOC); Hereditary breast and ovarian cancer syndrome; Hereditary breast and ovarian cancer; Hereditary breast and/or ovarian cancer syndrome; Breast and ovarian cancer; BRCA1- and BRCA2-Associated Hereditary Breast and Ovarian Cancer. Identifiers: Orphanet 145, MedGen C0677776, MeSH D061325, MONDO:0003582. Disease mechanism: loss of function.

Allele frequency attached by ClinVar (database versions not stated): ExAC 0.00001; gnomAD 0.00001; gnomAD exomes 0.00001; TOPMed 0.00001.
gnomAD v4.1: 18 of 1,614,140 alleles (0.0011%); highest among the groups gnomAD compares: African/African-American, 0.0027%; no homozygotes.

Submissions (17):

Labcorp Genetics (formerly Invitae), Labcorp
Classification: Pathogenic for Fanconi anemia complementation group O. Last evaluated: 2025-11-26. Review status: criteria provided, single submitter. Criteria: Invitae Variant Classification Sherloc (09022015). Collection method: clinical testing. Allele origin: germline.
Comment: This sequence change creates a premature translational stop signal (p.Gln33*) in the RAD51C gene. It is expected to result in an absent or disrupted protein product. Loss-of-function variants in RAD51C are known to be pathogenic (PMID: 20400964, 21990120, 24800917, 29278735). This variant is present in population databases (rs587782528, gnomAD 0.002%). This premature translational stop signal has been observed in individual(s) with ovarian cancer and endometrial cancer (PMID: 26261251, 26681312). ClinVar contains an entry for this variant (Variation ID: 142534). RNA analysis performed to evaluate the impact of this premature translational stop signal on mRNA splicing indicates it does not significantly alter splicing (internal data). For these reasons, this variant has been classified as Pathogenic.

Genetics Laboratory, Great Ormond Street Hospital NHS Foundation Trust, North Thames Genomic Laboratory Hub
Classification: Likely pathogenic for Inherited ovarian cancer (without breast cancer). Last evaluated: 2025-07-30. Review status: criteria provided, single submitter. Criteria: CanVIG RAD51CD Gene Specific V1.2. Collection method: clinical testing. Allele origin: germline. Affected: yes.
Comment: PM2_supporting, PVS1_very-strong

Cambridge Genomics Laboratory, East Genomic Laboratory Hub, NHS Genomic Medicine Service
Classification: Likely pathogenic for Inherited ovarian cancer (without breast cancer). Last evaluated: 2025-03-07. Review status: criteria provided, single submitter. Criteria: ACGS Best Practice Guidelines for Variant Classification in Rare Disease 2020. Collection method: clinical testing. Allele origin: germline. Affected: yes.
Comment: PVS1_Strong,PS4_Supporting,PM2_Supporting

Genomics and Molecular Medicine Service, East Genomic Laboratory Hub, NHS Genomic Medicine Service
Classification: Likely pathogenic for Inherited ovarian cancer (without breast cancer). Last evaluated: 2024-09-06. Review status: criteria provided, single submitter. Criteria: ACGS Best Practice Guidelines for Variant Classification in Rare Disease 2020. Collection method: clinical testing. Allele origin: germline. Affected: yes.
Comment: PVS1,PM5_Supporting

Ambry Genetics
Classification: Pathogenic for Hereditary cancer-predisposing syndrome. Last evaluated: 2024-07-12. Review status: criteria provided, single submitter. Criteria: Ambry Variant Classification Scheme 2023. Collection method: clinical testing. Allele origin: germline.
Comment: The p.Q33* pathogenic mutation (also known as c.97C>T), located in coding exon 1 of the RAD51C gene, results from a C to T substitution at nucleotide position 97. This changes the amino acid from a glutamine to a stop codon within coding exon 1. This mutation has been observed in an individual with ovarian cancer and in an unaffected individual with a family history of ovarian cancer (Song H et al. J. Clin. Oncol. 2015 Sep;33:2901-7). In addition to the clinical data presented in the literature, this alteration is expected to result in loss of function by premature protein truncation or nonsense-mediated mRNA decay. As such, this alteration is interpreted as a disease-causing mutation.

Fulgent Genetics
Classification: Pathogenic for Fanconi anemia complementation group O; Breast-ovarian cancer, familial, susceptibility to, 3. Last evaluated: 2024-06-21. Review status: criteria provided, single submitter. Criteria: ACMG Guidelines, 2015. Collection method: clinical testing. Allele origin: germline.

Color Diagnostics, LLC DBA Color Health
Classification: Pathogenic for Hereditary cancer-predisposing syndrome. Last evaluated: 2024-02-12. Review status: criteria provided, single submitter. Criteria: ACMG Guidelines, 2015. Collection method: clinical testing. Allele origin: germline.
Comment: This variant changes 1 nucleotide in exon 1 of the RAD51C gene, creating a premature translation stop signal. This variant is expected to result in an absent or non-functional protein product. This variant has been observed in multiple individuals affected with ovarian cancer, endometrial cancer and breast cancer (PMID: 26261251, 26681312, 32107557, 32427313). This variant has been identified in 3/251468 chromosomes in the general population by the Genome Aggregation Database (gnomAD). Loss of RAD51C function is a known mechanism of disease. Based on the available evidence, this variant is classified as Pathogenic.

Baylor Genetics
Classification: Pathogenic for Breast-ovarian cancer, familial, susceptibility to, 3. Last evaluated: 2023-09-27. Review status: criteria provided, single submitter. Criteria: ACMG Guidelines, 2015. Collection method: clinical testing. Allele origin: unknown.

GeneDx
Classification: Pathogenic. Last evaluated: 2023-07-06. Review status: criteria provided, single submitter. Criteria: GeneDx Variant Classification Process June 2021. Collection method: clinical testing. Allele origin: germline. Affected: yes.
Comment: Nonsense variant predicted to result in protein truncation or nonsense mediated decay in a gene for which loss of function is a known mechanism of disease; Not observed at significant frequency in large population cohorts (gnomAD); Observed in individuals with ovarian cancer, acute myeloid leukemia, and breast cancer (Lu et al., 2015; Song et al., 2015; Lilyquist et al., 2018; Carter et al., 2018; Lu et al., 2019; Palmer et al., 2020); This variant is associated with the following publications: (PMID: 26681312, 26261251, 30128536, 29922827, 34887416, 26689913, 28888541, 30322717, 32427313, 29625052, 32107557, 36451132, 33804961)

Myriad Genetics, Inc.
Classification: Pathogenic for Breast-ovarian cancer, familial, susceptibility to, 3. Last evaluated: 2023-04-05. Review status: criteria provided, single submitter. Criteria: Myriad Autosomal Dominant, Autosomal Recessive and X-Linked Classification Criteria (2023). Collection method: clinical testing. Allele origin: unknown.
Comment: This variant is considered pathogenic. This variant creates a termination codon and is predicted to result in premature protein truncation.

St. Jude Molecular Pathology, St. Jude Children's Research Hospital
Classification: Pathogenic for Breast-ovarian cancer, familial, susceptibility to, 3. Last evaluated: 2022-09-06. Review status: criteria provided, single submitter. Criteria: St. Jude Assertion Criteria 2020. Collection method: clinical testing. Allele origin: germline.
Comment: The RAD51C c.97C>T (p.Gln33Ter) change is a nonsense variant that is predicted to cause premature protein truncation or absence of the protein due to nonsense mediated decay. This variant has been identified in individuals with a personal and/or family history of breast and/or ovarian cancer (PMID: 26261251, 32107557, 32427313). This variant has a maximum subpopulation frequency of 0.0062% in gnomAD v2.1.1. Loss-of-function variants in RAD51C are known to be pathogenic (PMID: 20400964, 21990120). In summary, this variant meets criteria to be classified as pathogenic.

Women's Health and Genetics/Laboratory Corporation of America, LabCorp
Classification: Pathogenic for Hereditary breast ovarian cancer syndrome. Last evaluated: 2021-08-13. Review status: criteria provided, single submitter. Criteria: LabCorp Variant Classification Summary - May 2015. Collection method: clinical testing. Allele origin: germline.
Comment: Variant summary: RAD51C c.97C>T (p.Gln33X) results in a premature termination codon, predicted to cause a truncation of the encoded protein or absence of the protein due to nonsense mediated decay, which are commonly known mechanisms for disease. Truncations downstream of this position have been classified as pathogenic by our laboratory. The variant allele was found at a frequency of 1.2e-05 in 257012 control chromosomes. c.97C>T has been reported in the literature in individuals affected with ovarian and endometrial cancer (Song_2015, Susswein_2016, Carter_2018). To our knowledge, no experimental evidence demonstrating an impact on protein function has been reported. Five clinical diagnostic laboratories have submitted clinical-significance assessments for this variant to ClinVar after 2014 without evidence for independent evaluation. All laboratories classified the variant as pathogenic. Based on the evidence outlined above, the variant was classified as pathogenic.

Department of Pathology and Laboratory Medicine, Sinai Health System
Classification: Pathogenic for Breast-ovarian cancer, familial, susceptibility to, 3. Last evaluated: 2021-05-25. Review status: criteria provided, single submitter. Criteria: ACMG Guidelines, 2015. Collection method: clinical testing. Allele origin: germline. Affected: yes.

Genetics and Molecular Pathology, SA Pathology
Classification: Pathogenic for Breast-ovarian cancer, familial, susceptibility to, 3. Last evaluated: 2020-06-24. Review status: criteria provided, single submitter. Criteria: ACMG Guidelines, 2015. Collection method: clinical testing. Allele origin: germline. Affected: yes.

BRCAlab, Lund University
Classification: Pathogenic for Breast-ovarian cancer, familial, susceptibility to, 3. Last evaluated: 2022-08-26. Review status: no assertion criteria provided. Collection method: clinical testing. Allele origin: germline. Affected: yes. Not counted in ClinVar's aggregate classification.

Counsyl
Classification: Pathogenic for Fanconi anemia complementation group O. Last evaluated: 2016-08-26. Review status: no assertion criteria provided. Collection method: clinical testing. Allele origin: unknown. Not counted in ClinVar's aggregate classification.

Counsyl
Classification: Pathogenic for Breast-ovarian cancer, familial, susceptibility to, 3. Last evaluated: 2016-08-26. Review status: no assertion criteria provided. Collection method: clinical testing. Allele origin: unknown. Not counted in ClinVar's aggregate classification.

Literature cited by the submitters: PubMed 20400964 (cited by Labcorp Genetics (formerly Invitae), Labcorp); PubMed 21990120 (cited by Labcorp Genetics (formerly Invitae), Labcorp); PubMed 24800917 (cited by Labcorp Genetics (formerly Invitae), Labcorp); PubMed 29278735 (cited by Labcorp Genetics (formerly Invitae), Labcorp); PubMed 26261251 (cited by 6 submitters); PubMed 26681312 (cited by 5 submitters); PubMed 32107557 (cited by Color Diagnostics, LLC DBA Color Health); PubMed 32427313 (cited by Color Diagnostics, LLC DBA Color Health); PubMed 26689913 (cited by Women's Health and Genetics/Laboratory Corporation of America, LabCorp and Counsyl); PubMed 30322717 (cited by Women's Health and Genetics/Laboratory Corporation of America, LabCorp).